The following is an entry in ClinVar:

NM_001041.4(SI):c.123T>C (p.Ile41=)

Gene: SI (sucrase-isomaltase; minus strand). Cytogenetic location: 3q26.1.
Variant type: single nucleotide variant.
Coding change: c.123T>C on transcript NM_001041.4 (MANE Select); coding-DNA position 123, T replaced by C.
Protein change: p.Ile41=; no amino-acid change (isoleucine 41 retained).
Molecular consequence: synonymous variant.
Genome position (GRCh38, 1-based): chr3:165,074,663, A>G on the plus strand (T>C on the coding strand, the complement: SI is on the minus strand). VCF-style: chr3-165074663-A-G. GRCh37 (hg19) VCF-style: chr3-164792451-A-G.
Identifiers: ClinVar variation 900786 (VCV000900786.33), dbSNP rs146222650, ClinGen allele CA2691605.
Genomic context (GRCh38, chr3:165,074,663, plus strand): 5'-TCCTGAATCAGAAGGATTTGTAGTCACACGAGTAGTAGCTGGAGTTGAAGTAGAATCACT[A>G]ATTTCTGGGGGAGGAAAAAACTCAATAAAATAAAACATGACATTAAATTAATTTTCTCAG-3'
Protein context (NP_001032.2, residues 31-51): LATKTPAVDE[Ile41=]SDSTSTPATT

ClinVar aggregate classification (germline): Conflicting classifications of pathogenicity. Review status: criteria provided, conflicting classifications (1 of 4 stars). 3 submissions from 3 submitters: Uncertain significance (1); Benign (1); Likely benign (1). Last evaluated 2026-02-02.

Conditions:
Sucrase-isomaltase deficiency (CSID). Also called: SI DEFICIENCY; Deficiency of isomaltase; Congenital sucrose isomaltose malabsorption; Sucrose isomaltose enzyme deficiency. Identifiers: Orphanet 35122, MedGen C1283620, MONDO:0009114, OMIM 222900.

Allele frequency attached by ClinVar (database versions not stated): 1000 Genomes Project 0.00180; 1000 Genomes Project 30x 0.00187; TOPMed 0.00442; ESP Exome Variant Server 0.00500; gnomAD 0.00543 and 0.00551; gnomAD exomes 0.00596 and 0.00698; ExAC 0.00607.
gnomAD v4.1: 10,940 of 1,608,678 alleles (0.68%); highest among the groups gnomAD compares: Non-Finnish European, 0.78%; 48 homozygotes.

Submissions (3):

Labcorp Genetics (formerly Invitae), Labcorp
Classification: Benign. Last evaluated: 2026-02-02. Review status: criteria provided, single submitter. Criteria: Invitae Variant Classification Sherloc (09022015). Collection method: clinical testing. Allele origin: germline.

CeGaT Center for Human Genetics Tuebingen
Classification: Likely benign. Last evaluated: 2024-03-01. Review status: criteria provided, single submitter. Criteria: CeGaT Center For Human Genetics Tuebingen Variant Classification Criteria Version 2. Collection method: clinical testing. Allele origin: germline. Affected: yes. Observed: 1 variant allele.
Comment: SI: BP4, BP7, BS2

Illumina Laboratory Services, Illumina
Classification: Uncertain significance for Sucrase-isomaltase deficiency. Last evaluated: 2018-01-12. Review status: criteria provided, single submitter. Criteria: ICSL Variant Classification Criteria 13 December 2019. Collection method: clinical testing. Allele origin: germline.